The following is an entry in ClinVar:

NM_172362.3(KCNH1):c.625A>G (p.Ile209Val)

Gene: KCNH1 (potassium voltage-gated channel subfamily H member 1; minus strand). Cytogenetic location: 1q32.2.
Variant type: single nucleotide variant.
Coding change: c.625A>G on transcript NM_172362.3 (MANE Select); coding-DNA position 625, A replaced by G.
Protein change: p.Ile209Val; replaces isoleucine 209 with valine.
Molecular consequence: missense variant.
Genome position (GRCh38, 1-based): chr1:211,019,190, T>C on the plus strand (A>G on the coding strand, the complement: KCNH1 is on the minus strand). VCF-style: chr1-211019190-T-C. GRCh37 (hg19) VCF-style: chr1-211192532-T-C.
Other names: c.625A>G, p.Ile209Val (NM_002238.4); short protein forms I209V.
Identifiers: ClinVar variation 3032921 (VCV003032921.2), dbSNP rs2526596937, ClinGen allele CA344876434.
Genomic context (GRCh38, chr1:211,019,190, plus strand): 5'-AGGTCAAGATCAAGATGATCCAATCCCACGTGGTCTTAAAAACACAATAATGTAAGATGA[T>C]GTGAGGGGGAGTCTTTGGTGCCTCTTGCTTGTACTGGGGAAGGATGTCTGAGCCCAGCTG-3'
Protein context (NP_758872.1, residues 199-219): KQEAPKTPPH[Ile209Val]ILHYCVFKTT

ClinVar aggregate classification (germline): Uncertain significance (0 of 4 stars; one submission).

Conditions:
KCNH1-related disorder. Also called: KCNH1-related disorders; KCNH1-related condition.

Submission:

PreventionGenetics, part of Exact Sciences
Classification: Uncertain significance for KCNH1-related condition. Last evaluated: 2023-12-21. Review status: no assertion criteria provided. Collection method: clinical testing. Allele origin: germline.
Comment: The KCNH1 c.625A>G variant is predicted to result in the amino acid substitution p.Ile209Val. To our knowledge, this variant has not been reported in the literature or in a large population database, indicating this variant is rare. At this time, the clinical significance of this variant is uncertain due to the absence of conclusive functional and genetic evidence.